The following is an entry in ClinVar:

ClinVar aggregate classification (germline): Uncertain significance (1 of 4 stars; one submission).

Conditions:
RASopathy. Also called: rasopathies; Noonan spectrum disorder. Identifiers: Orphanet 536391, MedGen C5555857, MONDO:0021060.

gnomAD v4.1: 1 of 1,402,912 alleles (0.000071%); no homozygotes.

Submission:

Labcorp Genetics (formerly Invitae), Labcorp
Classification: Uncertain significance for RASopathy. Last evaluated: 2023-10-18. Review status: criteria provided, single submitter. Criteria: Invitae Variant Classification Sherloc (09022015). Collection method: clinical testing. Allele origin: germline.
Comment: This sequence change replaces alanine, which is neutral and non-polar, with proline, which is neutral and non-polar, at codon 17 of the BRAF protein (p.Ala17Pro). This variant is not present in population databases (gnomAD no frequency). This variant has not been reported in the literature in individuals affected with BRAF-related conditions. ClinVar contains an entry for this variant (Variation ID: 959790). Advanced modeling of protein sequence and biophysical properties (such as structural, functional, and spatial information, amino acid conservation, physicochemical variation, residue mobility, and thermodynamic stability) performed at Invitae indicates that this missense variant is not expected to disrupt BRAF protein function. In summary, the available evidence is currently insufficient to determine the role of this variant in disease. Therefore, it has been classified as a Variant of Uncertain Significance.

NM_004333.6(BRAF):c.49G>C (p.Ala17Pro)

Gene: BRAF (B-Raf proto-oncogene, serine/threonine kinase; minus strand). Cytogenetic location: 7q34.
Variant type: single nucleotide variant.
Coding change: c.49G>C on transcript NM_004333.6 (MANE Select); coding-DNA position 49, G replaced by C.
Protein change: p.Ala17Pro; replaces alanine 17 with proline.
Molecular consequence: missense variant.
Genome position (GRCh38, 1-based): chr7:140,924,655, C>G on the plus strand (G>C on the coding strand, the complement: BRAF is on the minus strand). VCF-style: chr7-140924655-C-G. GRCh37 (hg19) VCF-style: chr7-140624455-C-G.
Other names: c.49G>C, p.Ala17Pro (NM_001354609.2, NM_001374244.1, NM_001374258.1 and 7 more transcripts); short protein forms A17P.
Identifiers: ClinVar variation 959790 (VCV000959790.9), dbSNP rs1818675668, ClinGen allele CA369590199.